The following is an entry in ClinVar:

ClinVar aggregate classification (germline): Likely pathogenic. Review status: criteria provided, multiple submitters, no conflicts (2 of 4 stars). 2 submissions from 2 submitters: Likely pathogenic (2). Last evaluated 2026-09-04.

Conditions:
Jeune thoracic dystrophy. Also called: Short-rib thoracic dysplasia; Jeune syndrome; Infantile thoracic dystrophy; Thoracic pelvic phalangeal dystrophy; Jeune's syndrome; Chondroectodermal dysplasia-like syndrome. Identifiers: Orphanet 474, MedGen C0265275, MONDO:0018770.
Asphyxiating thoracic dystrophy 3. Also called: SHORT-RIB THORACIC DYSPLASIA 3 WITH OR WITHOUT POLYDACTYLY; SHORT-RIB THORACIC DYSPLASIA 3/6 WITH POLYDACTYLY, DIGENIC; Short rib polydactyly syndrome 2B; POLYDACTYLY WITH NEONATAL CHONDRODYSTROPHY, TYPE I; Saldino-Noonan Syndrome. Identifiers: Orphanet 474, Orphanet 93269, Orphanet 93270, Orphanet 93271, MedGen C0036069, MONDO:0013127, OMIM 613091.

Submissions (2):

Myriad Genetics, Inc.
Classification: Likely pathogenic for Asphyxiating thoracic dystrophy 3. Last evaluated: 2026-09-04. Review status: criteria provided, single submitter. Criteria: Myriad Autosomal Dominant, Autosomal Recessive and X-Linked Classification Criteria (2023). Collection method: clinical testing. Allele origin: unknown.
Comment: NM_001377.2(DYNC2H1):c.9919-2A>C is a variant in a canonical splice site classified as likely pathogenic in the context of DYNC2H1-related disorders. c.9919-2A>C has not been observed in cases with relevant disease. Relevant functional assessments of this variant are not available in the literature. c.9919-2A>C has not been observed in referenced population frequency databases. In summary, NM_001377.2(DYNC2H1):c.9919-2A>C is a variant in a canonical splice site in a gene where loss of function is a known mechanism of disease and is predicted to disrupt protein function. Please note: this variant was assessed in the context of healthy population screening.

Labcorp Genetics (formerly Invitae), Labcorp
Classification: Likely pathogenic for Jeune thoracic dystrophy. Last evaluated: 2023-01-18. Review status: criteria provided, single submitter. Criteria: Invitae Variant Classification Sherloc (09022015). Collection method: clinical testing. Allele origin: germline.
Comment: This sequence change affects an acceptor splice site in intron 65 of the DYNC2H1 gene. It is expected to disrupt RNA splicing. Variants that disrupt the donor or acceptor splice site typically lead to a loss of protein function (PMID: 16199547), and loss-of-function variants in DYNC2H1 are known to be pathogenic (PMID: 23339108, 32753734). This variant is not present in population databases (gnomAD no frequency). This variant has not been reported in the literature in individuals affected with DYNC2H1-related conditions. Algorithms developed to predict the effect of sequence changes on RNA splicing suggest that this variant may disrupt the consensus splice site. In summary, the currently available evidence indicates that the variant is pathogenic, but additional data are needed to prove that conclusively. Therefore, this variant has been classified as Likely Pathogenic.

Literature cited by the submitters: PubMed 16199547 (cited by Labcorp Genetics (formerly Invitae), Labcorp); PubMed 23339108 (cited by Labcorp Genetics (formerly Invitae), Labcorp); PubMed 32753734 (cited by Labcorp Genetics (formerly Invitae), Labcorp).

NM_001377.3(DYNC2H1):c.9919-2A>C

Gene: DYNC2H1 (dynein cytoplasmic 2 heavy chain 1; plus strand). Cytogenetic location: 11q22.3.
Variant type: single nucleotide variant.
Coding change: c.9919-2A>C on transcript NM_001377.3 (MANE Select); the canonical splice acceptor site of the intron before coding-DNA position 9919, A replaced by C.
Molecular consequence: splice acceptor variant.
Genome position (GRCh38, 1-based): chr11:103,245,249, A>C. VCF-style: chr11-103245249-A-C. GRCh37 (hg19) VCF-style: chr11-103115978-A-C.
Other names: c.9940-2A>C (NM_001080463.2).
Identifiers: ClinVar variation 2807845 (VCV002807845.4), dbSNP rs2496584958, ClinGen allele CA382245572.
Genomic context (GRCh38, chr11:103,245,249, plus strand): 5'-AGGATGTTTGTAAATATTAAAGTAATTAAATAATTAATACGTATTCTTTTTTATTCAATT[A>C]GGATAGTAACTTTATCACAGCTCTTGAATTAGCAGTACGTTTTGGGAAAACCCTTATTAT-3'